The following is an entry in ClinVar:

ClinVar aggregate classification (germline): Pathogenic (1 of 4 stars; one submission).

Conditions:
Alstrom syndrome (ALMS). Identifiers: Orphanet 64, MedGen C0268425, MONDO:0008763, OMIM 203800.

Submission:

Labcorp Genetics (formerly Invitae), Labcorp
Classification: Pathogenic for Alstrom syndrome. Last evaluated: 2020-07-23. Review status: criteria provided, single submitter. Criteria: Invitae Variant Classification Sherloc (09022015). Collection method: clinical testing. Allele origin: germline.
Comment: This sequence change creates a premature translational stop signal (p.Gln3149*) in the ALMS1 gene. It is expected to result in an absent or disrupted protein product. For these reasons, this variant has been classified as Pathogenic. Loss-of-function variants in ALMS1 are known to be pathogenic (PMID: 17594715). This variant has not been reported in the literature in individuals with ALMS1-related conditions. This variant is not present in population databases (ExAC no frequency).

Literature cited by the submitters: PubMed 17594715.

NM_001378454.1(ALMS1):c.9442C>T (p.Gln3148Ter)

Gene: ALMS1 (ALMS1 centrosome and basal body associated protein; plus strand). Cytogenetic location: 2p13.1.
Variant type: single nucleotide variant.
Coding change: c.9442C>T on transcript NM_001378454.1 (MANE Select); coding-DNA position 9442, C replaced by T.
Protein change: p.Gln3148Ter; replaces glutamine 3148 with a stop codon.
Molecular consequence: nonsense.
Genome position (GRCh38, 1-based): chr2:73,491,401, C>T. VCF-style: chr2-73491401-C-T. GRCh37 (hg19) VCF-style: chr2-73718528-C-T.
Other names: c.9445C>T, p.Gln3149Ter (NM_015120.4); short protein forms Q3148*, Q3149*.
Identifiers: ClinVar variation 1070448 (VCV001070448.7), dbSNP rs917667192, ClinGen allele CA347275031.
Genomic context (GRCh38, chr2:73,491,401, plus strand): 5'-GTACAGCCTTCTCTTCCAGACAGTAACACTATTACTCAGGACTTGAAAACCATACCTTCT[C>T]AGAATAGCCAGATAGTAACCTCCAGGCAAATACAAGTGAACATTTCAGATTTCGAAGGAC-3'